The following is an entry in ClinVar:

NM_033159.4(HYAL1):c.726C>G (p.Leu242=)

Gene: HYAL1 (hyaluronidase 1; minus strand). Cytogenetic location: 3p21.31.
Variant type: single nucleotide variant.
Coding change: c.726C>G on transcript NM_033159.4 (MANE Select); coding-DNA position 726, C replaced by G.
Protein change: p.Leu242=; no amino-acid change (leucine 242 retained).
Molecular consequence: synonymous variant. On other transcripts: non-coding transcript variant (1), intron variant (1).
Genome position (GRCh38, 1-based): chr3:50,302,231, G>C on the plus strand (C>G on the coding strand, the complement: HYAL1 is on the minus strand). VCF-style: chr3-50302231-G-C. GRCh37 (hg19) VCF-style: chr3-50339662-G-C.
Other names: c.726C>G (NM_153281.1); c.726C>G, p.Leu242= (NM_153281.2, NM_153282.3); c.180C>G, p.Leu60= (NM_153283.3); c.-26-26C>G (NM_153285.3).
Identifiers: ClinVar variation 1150886 (VCV001150886.9), dbSNP rs781796869, ClinGen allele CA2415882.

ClinVar aggregate classification (germline): Likely benign. Review status: criteria provided, single submitter (1 of 4 stars). 2 submissions from 2 submitters: Likely benign (1). 1 of the submissions does not count toward it. Last evaluated 2023-10-17.

Conditions:
Deficiency of hyaluronoglucosaminidase (MPS9). Also called: Mucopolysaccharidosis type 9; HYALURONIDASE DEFICIENCY; MPS IX. Identifiers: Orphanet 67041, MedGen C1291490, MONDO:0011093, OMIM 601492.
HYAL1-related disorder. Also called: HYAL1-related condition.

Allele frequency attached by ClinVar (database versions not stated): ExAC 0.00001; gnomAD 0.00001; TOPMed 0.00001.
gnomAD v4.1: 32 of 1,613,970 alleles (0.002%); highest among the groups gnomAD compares: Non-Finnish European, 0.0027%; no homozygotes.

Submissions (2):

Labcorp Genetics (formerly Invitae), Labcorp
Classification: Likely benign for Deficiency of hyaluronoglucosaminidase. Last evaluated: 2023-10-17. Review status: criteria provided, single submitter. Criteria: Invitae Variant Classification Sherloc (09022015). Collection method: clinical testing. Allele origin: germline.

PreventionGenetics, part of Exact Sciences
Classification: Likely benign for HYAL1-related condition. Last evaluated: 2023-07-10. Review status: no assertion criteria provided. Collection method: clinical testing. Allele origin: germline. Not counted in ClinVar's aggregate classification.
Comment: This variant is classified as likely benign based on ACMG/AMP sequence variant interpretation guidelines (Richards et al. 2015 PMID: 25741868, with internal and published modifications).